The following is an entry in ClinVar:

ClinVar aggregate classification (germline): Uncertain significance (1 of 4 stars; one submission).

Conditions:
Early-infantile DEE. Also called: Early infantile epileptic encephalopathy; Ohtahara syndrome; Early infantile epileptic encephalopathy with suppression bursts. Identifiers: Orphanet 1934, MedGen C0393706, MONDO:0800491.

gnomAD v4.1: 2 of 1,614,176 alleles (0.00012%); highest among the groups gnomAD compares: Non-Finnish European, 0.00017%; no homozygotes.

Submission:

Labcorp Genetics (formerly Invitae), Labcorp
Classification: Uncertain significance for Early-infantile DEE. Last evaluated: 2025-09-02. Review status: criteria provided, single submitter. Criteria: Invitae Variant Classification Sherloc (09022015). Collection method: clinical testing. Allele origin: germline.
Comment: This sequence change replaces asparagine, which is neutral and polar, with aspartic acid, which is acidic and polar, at codon 606 of the SPTAN1 protein (p.Asn606Asp). This variant is not present in population databases (gnomAD no frequency). This variant has not been reported in the literature in individuals affected with SPTAN1-related conditions. ClinVar contains an entry for this variant (Variation ID: 3635902). Invitae Evidence Modeling of protein sequence and biophysical properties (such as structural, functional, and spatial information, amino acid conservation, physicochemical variation, residue mobility, and thermodynamic stability) has been performed for this missense variant. However, the output from this modeling did not meet the statistical confidence thresholds required to predict the impact of this variant on SPTAN1 protein function. In summary, the available evidence is currently insufficient to determine the role of this variant in disease. Therefore, it has been classified as a Variant of Uncertain Significance.

NM_001130438.3(SPTAN1):c.1816A>G (p.Asn606Asp)

Gene: SPTAN1 (spectrin alpha, non-erythrocytic 1; plus strand). Cytogenetic location: 9q34.11.
Variant type: single nucleotide variant.
Coding change: c.1816A>G on transcript NM_001130438.3 (MANE Select); coding-DNA position 1816, A replaced by G.
Protein change: p.Asn606Asp; replaces asparagine 606 with aspartic acid.
Molecular consequence: missense variant.
Genome position (GRCh38, 1-based): chr9:128,583,086, A>G. VCF-style: chr9-128583086-A-G. GRCh37 (hg19) VCF-style: chr9-131345365-A-G.
Other names: c.1816A>G, p.Asn606Asp (NM_001195532.2, NM_001363759.2, NM_001363765.2 and 5 more transcripts); c.1852A>G, p.Asn618Asp (NM_001375312.2, NM_001375318.1); short protein forms N606D, N618D.
Identifiers: ClinVar variation 3635902 (VCV003635902.2).